The following is an entry in ClinVar:

ClinVar aggregate classification (germline): Pathogenic (1 of 4 stars; one submission).

Conditions:
Autosomal recessive nonsyndromic hearing loss 12. Also called: DEAFNESS, AUTOSOMAL RECESSIVE 12. Identifiers: Orphanet 90636, MedGen C1832394, MONDO:0011067, OMIM 601386.

Submission:

Institute of Rare Diseases, West China Hospital, Sichuan University
Classification: Pathogenic for Autosomal recessive nonsyndromic hearing loss 12. Last evaluated: 2025-01-09. Review status: criteria provided, single submitter. Criteria: ClinGen HL ACMG Specifications v1. Collection method: research. Allele origin: germline. Affected: yes.
Comment: PVS1;PM3_Supporting;PM2_Supporting

NM_022124.6(CDH23):c.7928dup (p.Leu2644fs)

Genes: CDH23 (cadherin related 23; plus strand), LOC111982869 (Sharpr-MPRA regulatory region 2121; plus strand). Cytogenetic location: 10q22.1.
Variant type: Duplication.
Coding change: c.7928dup on transcript NM_022124.6 (MANE Select); coding-DNA position 7928, one base duplicated (G; older notation c.7928dupG).
Protein change: p.Leu2644fs; shifts the reading frame from leucine 2644.
Molecular consequence: frameshift variant.
Genome position (GRCh38, 1-based): chr10:71,805,861, G duplicated; the last of 3 consecutive G bases (chr10:71,805,859-71,805,861); duplicating any one gives the same sequence. VCF-style (leftmost placement, unchanged base first): chr10-71805858-A-AG. GRCh37 (hg19) VCF-style: chr10-73565615-A-AG.
Other names: c.1208dup, p.Leu404fs (NM_001171933.1, NM_001171934.1); short protein forms L2644fs, L404fs.
Identifiers: ClinVar variation 3601615 (VCV003601615.1).